The following is an entry in ClinVar:

Submission:

Institute of experimental medicine CAS – Neurochemistry department., Institute of Experimental Medicine, Czech Academy of Science
No classification provided (evidence only). Review status: no classification provided. Collection method: in vitro. Allele origin: not applicable. Functional consequence: Overall loss-of-function.
Comment: The Y647S variant has been identified in patient with epilepsy, it has been reported that this variant leads to almost complete loss of NMDAR current (Lemke et al., 2016, PMID: 27164704).

"not provided" was previously submitted as the classification for the variant. It was converted to no classification on 2025-07-30.

NM_007327.4(GRIN1):c.1940A>C (p.Tyr647Ser)

Gene: GRIN1 (glutamate ionotropic receptor NMDA type subunit 1; plus strand). Cytogenetic location: 9q34.3.
Variant type: single nucleotide variant.
Coding change: c.1940A>C on transcript NM_007327.4 (MANE Select); coding-DNA position 1940, A replaced by C.
Protein change: p.Tyr647Ser; replaces tyrosine 647 with serine.
Molecular consequence: missense variant.
Genome position (GRCh38, 1-based): chr9:137,162,666, A>C. VCF-style: chr9-137162666-A-C. GRCh37 (hg19) VCF-style: chr9-140057118-A-C.
Other names: Y647S; c.1940A>C, p.Tyr647Ser (NM_000832.7, NM_021569.4); c.2003A>C, p.Tyr668Ser (NM_001185090.2, NM_001185091.2); short protein forms Y668S.
Identifiers: ClinVar variation 1711845 (VCV001711845.3), dbSNP rs2538640875, ClinGen allele CA375720818.